The following is an entry in ClinVar:

ClinVar aggregate classification (germline): Uncertain significance (1 of 4 stars; one submission).

Conditions:
Long QT syndrome (LQTS). Identifiers: MedGen C0023976, MeSH D008133, MONDO:0002442. Disease mechanism: loss of function. Inheritance: Various modes of inheritance.

Submission:

All of Us Research Program, National Institutes of Health
Classification: Uncertain significance for Long QT syndrome. Last evaluated: 2024-06-09. Review status: criteria provided, single submitter. Criteria: ACMG Guidelines, 2015. Collection method: clinical testing. Allele origin: germline. Inheritance: Autosomal dominant inheritance. Observed: 1 variant allele, 1 heterozygote.
Comment: This missense variant replaces glycine with cysteine at codon 969 of the KCNH2 protein. Computational prediction suggests that this variant may not impact protein structure and function (internally defined REVEL score threshold <= 0.5, PMID: 27666373). To our knowledge, functional studies have not been reported for this variant. This variant has not been reported in individuals affected with KCNH2-related disorders in the literature. This variant has not been identified in the general population by the Genome Aggregation Database (gnomAD). The available evidence is insufficient to determine the role of this variant in disease conclusively. Therefore, this variant is classified as a Variant of Uncertain Significance.

This study involves interpretation of variants in research participants for the purpose of population health screening. Participant phenotype was not available at the time of variant classification. Additional details can be found in publication PMID: 35346344, PMCID: PMC8962531

NM_000238.4(KCNH2):c.2905G>T (p.Gly969Cys)

Gene: KCNH2 (potassium voltage-gated channel subfamily H member 2; minus strand). Cytogenetic location: 7q36.1.
Variant type: single nucleotide variant.
Coding change: c.2905G>T on transcript NM_000238.4 (MANE Select); coding-DNA position 2905, G replaced by T.
Protein change: p.Gly969Cys; replaces glycine 969 with cysteine.
Molecular consequence: missense variant. On other transcripts: non-coding transcript variant (2).
Genome position (GRCh38, 1-based): chr7:150,947,666, C>A on the plus strand (G>T on the coding strand, the complement: KCNH2 is on the minus strand). VCF-style: chr7-150947666-C-A. GRCh37 (hg19) VCF-style: chr7-150644754-C-A.
Other names: c.2617G>T, p.Gly873Cys (NM_001406753.1); c.1885G>T, p.Gly629Cys (NM_172057.3); short protein forms G629C, G873C, G969C.
Identifiers: ClinVar variation 3386885 (VCV003386885.1).
Genomic context (GRCh38, chr7:150,947,666, plus strand): 5'-CTGACAGGGGGTTGCAAGTGTCGCTGCTCTTCTCGCAGTCCTCCATCAGGGGCTCCCCAC[C>A]CGGCGGCTCTCCGGGGGGCCTGGGGCTGGAGAAGGGCACCAGGCGGAGGGGGCTGGAGCT-3'
Protein context (NP_000229.1, residues 959-979): SSPRPPGEPP[Gly969Cys]GEPLMEDCEK